The following is an entry in ClinVar:

NM_001374828.1(ARID1B):c.3591C>A (p.Asp1197Glu)

Gene: ARID1B (AT-rich interaction domain 1B; plus strand). Cytogenetic location: 6q25.3.
Variant type: single nucleotide variant.
Coding change: c.3591C>A on transcript NM_001374828.1 (MANE Select); coding-DNA position 3591, C replaced by A.
Protein change: p.Asp1197Glu; replaces aspartic acid 1197 with glutamic acid.
Molecular consequence: missense variant.
Genome position (GRCh38, 1-based): chr6:157,181,055, C>A. VCF-style: chr6-157181055-C-A. GRCh37 (hg19) VCF-style: chr6-157502189-C-A.
Other names: c.1092C>A, p.Asp364Glu (NM_001363725.2); c.3471C>A, p.Asp1157Glu (NM_001371656.1, NM_001374820.1); c.3720C>A, p.Asp1240Glu (NM_001438482.1); c.3633C>A, p.Asp1211Glu (NM_001438483.1); c.3501C>A, p.Asp1167Glu (NM_001438485.1); c.3474C>A, p.Asp1158Glu (NM_001438486.1); c.3411C>A, p.Asp1137Glu (NM_001438487.1); c.933C>A, p.Asp311Glu (NM_001438488.1); and 1 more; short protein forms D1197E, D1211E, D1240E, D311E, D364E, D1137E, D1144E, D1157E.
Identifiers: ClinVar variation 5041514 (VCV005041514.1).

ClinVar aggregate classification (germline): Uncertain significance (1 of 4 stars; one submission).

gnomAD v4.1: 1 of 1,614,156 alleles (0.000062%); highest among the groups gnomAD compares: Admixed American, 0.0017%; no homozygotes.

Submission:

CeGaT Center for Human Genetics Tuebingen
Classification: Uncertain significance. Last evaluated: 2026-09-01. Review status: criteria provided, single submitter. Criteria: CeGaT Center For Human Genetics Tuebingen Variant Classification Criteria Version 2. Collection method: clinical testing. Allele origin: germline. Affected: yes. Observed: 1 variant allele.
Comment: ARID1B: PM2:Supporting